The following is an entry in ClinVar:

ClinVar aggregate classification (germline): Uncertain significance. Review status: criteria provided, multiple submitters, no conflicts (2 of 4 stars). 2 submissions from 2 submitters: Uncertain significance (2). Last evaluated 2025-12-22.

Allele frequency attached by ClinVar (database versions not stated): ExAC 0.00001; gnomAD 0.00001; gnomAD exomes 0.00001.
gnomAD v4.1: 15 of 1,613,782 alleles (0.00093%); highest among the groups gnomAD compares: Non-Finnish European, 0.0011%; no homozygotes.

Submissions (2):

Labcorp Genetics (formerly Invitae), Labcorp
Classification: Uncertain significance. Last evaluated: 2025-12-22. Review status: criteria provided, single submitter. Criteria: Invitae Variant Classification Sherloc (09022015). Collection method: clinical testing. Allele origin: germline.
Comment: This sequence change replaces arginine, which is basic and polar, with glutamine, which is neutral and polar, at codon 1443 of the RP1 protein (p.Arg1443Gln). This variant is present in population databases (rs759930573, gnomAD 0.0009%). This missense change has been observed in individual(s) with autosomal dominant retinitis pigmentosa (PMID: 25698705). ClinVar contains an entry for this variant (Variation ID: 1057704). An algorithm developed to predict the effect of missense changes on protein structure and function (PolyPhen-2) suggests that this variant is likely to be disruptive. This variant disrupts the p.Arg1443 amino acid residue in RP1. Other variant(s) that disrupt this residue have been determined to be pathogenic (PMID: 23991373). This suggests that this residue is clinically significant, and that variants that disrupt this residue are likely to be disease-causing. In summary, the available evidence is currently insufficient to determine the role of this variant in disease. Therefore, it has been classified as a Variant of Uncertain Significance.

Blueprint Genetics
Classification: Uncertain significance. Last evaluated: 2021-12-22. Review status: criteria provided, single submitter. Criteria: ACMG Guidelines, 2015. Collection method: clinical testing. Allele origin: germline.

Literature cited by the submitters: PubMed 25698705 (cited by Labcorp Genetics (formerly Invitae), Labcorp); PubMed 23991373 (cited by Labcorp Genetics (formerly Invitae), Labcorp).

NM_006269.2(RP1):c.4328G>A (p.Arg1443Gln)

Gene: RP1 (RP1 axonemal microtubule associated; plus strand). Cytogenetic location: 8q12.1.
Variant type: single nucleotide variant.
Coding change: c.4328G>A on transcript NM_006269.2 (MANE Select); coding-DNA position 4328, G replaced by A.
Protein change: p.Arg1443Gln; replaces arginine 1443 with glutamine.
Molecular consequence: missense variant. On other transcripts: intron variant (1).
Genome position (GRCh38, 1-based): chr8:54,628,210, G>A. VCF-style: chr8-54628210-G-A. GRCh37 (hg19) VCF-style: chr8-55540770-G-A.
Other names: c.787+5922G>A (NM_001375654.1); short protein forms R1443Q.
Identifiers: ClinVar variation 1057704 (VCV001057704.10), dbSNP rs759930573, ClinGen allele CA4751846.